The following is an entry in ClinVar:

NM_080669.6(SLC46A1):c.642G>A (p.Leu214=)

Gene: SLC46A1 (solute carrier family 46 member 1; minus strand). Cytogenetic location: 17q11.2.
Variant type: single nucleotide variant.
Coding change: c.642G>A on transcript NM_080669.6 (MANE Select); coding-DNA position 642, G replaced by A.
Protein change: p.Leu214=; no amino-acid change (leucine 214 retained).
Molecular consequence: synonymous variant.
Genome position (GRCh38, 1-based): chr17:28,405,055, C>T on the plus strand (G>A on the coding strand, the complement: SLC46A1 is on the minus strand). VCF-style: chr17-28405055-C-T. GRCh37 (hg19) VCF-style: chr17-26732073-C-T.
Other names: c.642G>A, p.Leu214= (NM_001242366.3).
Identifiers: ClinVar variation 322408 (VCV000322408.39), dbSNP rs145398587, ClinGen allele CA8458304.

ClinVar aggregate classification (germline): Likely benign. Review status: criteria provided, multiple submitters, no conflicts (2 of 4 stars). 4 submissions from 4 submitters: Likely benign (4). Last evaluated 2026-02-01.

Conditions:
Congenital defect of folate absorption. Also called: Hereditary Folate Malabsorption. Identifiers: Orphanet 90045, MedGen C0342705, MONDO:0009238, OMIM 229050.

Allele frequency attached by ClinVar (database versions not stated): gnomAD exomes 0.00011 and 0.00026; ExAC 0.00032; ESP Exome Variant Server 0.00065; TOPMed 0.00127; gnomAD 0.00136 and 0.00145; 1000 Genomes Project 30x 0.00156; 1000 Genomes Project 0.00200.
gnomAD v4.1: 361 of 1,614,012 alleles (0.022%); highest among the groups gnomAD compares: African/African-American, 0.43%; 1 homozygote.

Submissions (4):

Labcorp Genetics (formerly Invitae), Labcorp
Classification: Likely benign. Last evaluated: 2026-02-01. Review status: criteria provided, single submitter. Criteria: Invitae Variant Classification Sherloc (09022015). Collection method: clinical testing. Allele origin: germline.

Blueprint Genetics
Classification: Likely benign. Last evaluated: 2024-08-06. Review status: criteria provided, single submitter. Criteria: ACMG Guidelines, 2015. Collection method: clinical testing. Allele origin: germline.

CeGaT Center for Human Genetics Tuebingen
Classification: Likely benign. Last evaluated: 2023-01-01. Review status: criteria provided, single submitter. Criteria: CeGaT Center For Human Genetics Tuebingen Variant Classification Criteria Version 2. Collection method: clinical testing. Allele origin: germline. Affected: yes. Observed: 1 variant allele.
Comment: SLC46A1: BP4, BP7

Illumina Laboratory Services, Illumina
Classification: Likely benign for Congenital defect of folate absorption. Last evaluated: 2018-01-12. Review status: criteria provided, single submitter. Criteria: ICSL Variant Classification Criteria 13 December 2019. Collection method: clinical testing. Allele origin: germline.
Comment: This variant was observed in the ICSL laboratory as part of a predisposition screen in an ostensibly healthy population. It had not been previously curated by ICSL or reported in the Human Gene Mutation Database (HGMD: prior to June 1st, 2018), and was therefore a candidate for classification through an automated scoring system. Utilizing variant allele frequency, disease prevalence and penetrance estimates, and inheritance mode, an automated score was calculated to assess if this variant is too frequent to cause the disease. Based on the score and internal cut-off values, a variant classified as likely benign is not then subjected to further curation. The score for this variant resulted in a classification of likely benign for this disease.